The following is an entry in ClinVar:

NM_177438.3(DICER1):c.2395A>G (p.Thr799Ala)

Gene: DICER1 (dicer 1, ribonuclease III; minus strand). Cytogenetic location: 14q32.13.
Variant type: single nucleotide variant.
Coding change: c.2395A>G on transcript NM_177438.3 (MANE Select); coding-DNA position 2395, A replaced by G.
Protein change: p.Thr799Ala; replaces threonine 799 with alanine.
Molecular consequence: missense variant. On other transcripts: non-coding transcript variant (6).
Genome position (GRCh38, 1-based): chr14:95,108,365, T>C on the plus strand (A>G on the coding strand, the complement: DICER1 is on the minus strand). VCF-style: chr14-95108365-T-C. GRCh37 (hg19) VCF-style: chr14-95574702-T-C.
Other names: c.2395A>G, p.Thr799Ala (NM_001195573.1, NM_001271282.3, NM_001291628.2 and 12 more transcripts); c.2113A>G, p.Thr705Ala (NM_001395686.1); c.1990A>G, p.Thr664Ala (NM_001395687.1, NM_001395688.1, NM_001395689.1 and 2 more transcripts); c.1828A>G, p.Thr610Ala (NM_001395691.1); c.712A>G, p.Thr238Ala (NM_001395697.1); short protein forms T238A, T610A, T664A, T705A, T799A.
Identifiers: ClinVar variation 1692084 (VCV001692084.1), dbSNP rs1891647457, ClinGen allele CA390882136.
Genomic context (GRCh38, chr14:95,108,365, plus strand): 5'-CTCATTATGAAATACCTACCTGAGGTATGGGTTTGGCCGTCAGTATTCCAAAGCATCTTG[T>C]GGTATCTTCAGGAGGATAGAGCTTCCGCCTTCTAAAGTTGAGTTCATCAGGTAAAGGTGT-3'
Protein context (NP_803187.1, residues 789-809): RRKLYPPEDT[Thr799Ala]RCFGILTAKP

ClinVar aggregate classification (germline): Uncertain significance (1 of 4 stars; one submission).

Conditions:
Hereditary cancer-predisposing syndrome. Also called: Hereditary Cancer Syndrome; Hereditary neoplastic syndrome; Neoplastic Syndromes, Hereditary; Tumor predisposition. Identifiers: Orphanet 140162, MedGen C0027672, MeSH D009386, MONDO:0015356.

Allele frequency attached by ClinVar (database versions not stated): TOPMed below 0.00001.

Submission:

Sema4
Classification: Uncertain significance for Hereditary cancer-predisposing syndrome. Last evaluated: 2022-02-02. Review status: criteria provided, single submitter. Criteria: Sema4 Curation Guidelines. Collection method: curation. Allele origin: germline.
Comment: The DICER1 c.2395A>G (p.T799A) variant has not been reported in the literature to our knowledge. This variant is not reported in the population database Genome Aggregation Database (PMID: 32461654). The variant has not been reported in ClinVar. Functional studies have not been performed, and in silico predictions of the variant's effect on protein function are inconclusive. The evidence is insufficient to meet ACMG/AMP criteria for classifying the variant as benign or pathogenic. Thus, the clinical significance of this variant is currently uncertain.